The following is an entry in ClinVar:

ClinVar aggregate classification (germline): Uncertain significance (1 of 4 stars; one submission).

Conditions:
Developmental and epileptic encephalopathy, 21 (DEE21). Also called: Early infantile epileptic encephalopathy 21. Identifiers: Orphanet 442835, MedGen C4014430, MONDO:0014360, OMIM 615833.

Allele frequency attached by ClinVar (database versions not stated): gnomAD 0.00001; TOPMed 0.00001; ExAC 0.00002; gnomAD exomes 0.00002; 1000 Genomes Project 30x 0.00031; 1000 Genomes Project 0.00040.
gnomAD v4.1: 17 of 1,614,128 alleles (0.0011%); highest among the groups gnomAD compares: East Asian, 0.016%; no homozygotes.

Submission:

Labcorp Genetics (formerly Invitae), Labcorp
Classification: Uncertain significance for Developmental and epileptic encephalopathy, 21. Last evaluated: 2022-08-10. Review status: criteria provided, single submitter. Criteria: Invitae Variant Classification Sherloc (09022015). Collection method: clinical testing. Allele origin: germline.
Comment: This sequence change replaces asparagine, which is neutral and polar, with serine, which is neutral and polar, at codon 271 of the NECAP1 protein (p.Asn271Ser). This variant is present in population databases (rs763046716, gnomAD 0.02%). This variant has not been reported in the literature in individuals affected with NECAP1-related conditions. ClinVar contains an entry for this variant (Variation ID: 1041851). Algorithms developed to predict the effect of missense changes on protein structure and function (SIFT, PolyPhen-2, Align-GVGD) all suggest that this variant is likely to be tolerated. In summary, the available evidence is currently insufficient to determine the role of this variant in disease. Therefore, it has been classified as a Variant of Uncertain Significance.

NM_015509.4(NECAP1):c.812A>G (p.Asn271Ser)

Gene: NECAP1 (NECAP endocytosis associated 1; plus strand). Cytogenetic location: 12p13.31.
Variant type: single nucleotide variant.
Coding change: c.812A>G on transcript NM_015509.4 (MANE Select); coding-DNA position 812, A replaced by G.
Protein change: p.Asn271Ser; replaces asparagine 271 with serine.
Molecular consequence: missense variant. On other transcripts: non-coding transcript variant (1).
Genome position (GRCh38, 1-based): chr12:8,096,074, A>G. VCF-style: chr12-8096074-A-G. GRCh37 (hg19) VCF-style: chr12-8248670-A-G.
Other names: short protein forms N271S.
Identifiers: ClinVar variation 1041851 (VCV001041851.6), dbSNP rs763046716, ClinGen allele CA6432369.